The following is an entry in ClinVar:

NM_002715.4(PPP2CA):c.389A>G (p.Tyr130Cys)

Gene: PPP2CA (protein phosphatase 2 catalytic subunit alpha; minus strand). Cytogenetic location: 5q31.1.
Variant type: single nucleotide variant.
Coding change: c.389A>G on transcript NM_002715.4 (MANE Select); coding-DNA position 389, A replaced by G.
Protein change: p.Tyr130Cys; replaces tyrosine 130 with cysteine.
Molecular consequence: missense variant. On other transcripts: non-coding transcript variant (1).
Genome position (GRCh38, 1-based): chr5:134,201,945, T>C on the plus strand (A>G on the coding strand, the complement: PPP2CA is on the minus strand). VCF-style: chr5-134201945-T-C. GRCh37 (hg19) VCF-style: chr5-133537636-T-C.
Other names: c.194A>G, p.Tyr65Cys (NM_001355019.2); short protein forms Y130C, Y65C.
Identifiers: ClinVar variation 3369213 (VCV003369213.2).

ClinVar aggregate classification (germline): Uncertain significance (1 of 4 stars; one submission).

Submission:

GeneDx
Classification: Uncertain significance. Last evaluated: 2026-07-10. Review status: criteria provided, single submitter. Criteria: GeneDx Variant Classification Process June 2021. Collection method: clinical testing. Allele origin: germline.
Comment: Not observed at significant frequency in large population cohorts (gnomAD); In silico analysis supports that this missense variant has a deleterious effect on protein structure/function; Has not been previously published as pathogenic or benign to our knowledge